The following is an entry in ClinVar:

NM_000492.4(CFTR):c.842T>C (p.Met281Thr)

Gene: CFTR (CF transmembrane conductance regulator; plus strand). Cytogenetic location: 7q31.2.
Variant type: single nucleotide variant.
Coding change: c.842T>C on transcript NM_000492.4 (MANE Select); coding-DNA position 842, T replaced by C.
Protein change: p.Met281Thr; replaces methionine 281 with threonine.
Molecular consequence: missense variant.
Genome position (GRCh38, 1-based): chr7:117,536,646, T>C. VCF-style: chr7-117536646-T-C. GRCh37 (hg19) VCF-style: chr7-117176700-T-C.
Other names: short protein forms M281T.
Identifiers: ClinVar variation 54067 (VCV000054067.15), dbSNP rs397508802, ClinGen allele CA327667.

ClinVar aggregate classification (germline): Uncertain significance. Review status: criteria provided, multiple submitters, no conflicts (2 of 4 stars). 8 submissions from 8 submitters: Uncertain significance (5). 3 of the submissions do not count toward it. Last evaluated 2025-08-25.

Conditions:
CFTR-related disorder (CFTR-RD). Also called: CFTR-related disorders; CFTR-related condition. Identifiers: MedGen C5924204, MONDO:7770004.
Bronchiectasis with or without elevated sweat chloride 1 (BESC1). Also called: Cystic Fibrosis-Like Syndrome. Identifiers: Orphanet 60033, MedGen C2749757, MONDO:0008887, OMIM 211400.
Hereditary pancreatitis (PCTT). Also called: PRSS1-Related Hereditary Pancreatitis; Hereditary chronic pancreatitis. Identifiers: Orphanet 676, MedGen C0238339, MONDO:0008185, OMIM 167800.
Cystic fibrosis (CF). Also called: MUCOVISCIDOSIS. Identifiers: Orphanet 586, MedGen C0010674, MONDO:0009061, OMIM 219700. Disease mechanism: loss of function.
Congenital bilateral aplasia of vas deferens from CFTR mutation (CBAVD). Identifiers: Orphanet 48, MedGen C0403814, MONDO:0010178, OMIM 277180. Disease mechanism: loss of function.

Allele frequency attached by ClinVar (database versions not stated): gnomAD exomes 0.00001; gnomAD 0.00006; TOPMed 0.00015; ExAC 0.00001.
gnomAD v4.1: 22 of 1,611,748 alleles (0.0014%); highest among the groups gnomAD compares: Admixed American, 0.018%; no homozygotes.

Submissions (8):

Women's Health and Genetics/Laboratory Corporation of America, LabCorp
Classification: Uncertain significance. Last evaluated: 2025-08-25. Review status: criteria provided, single submitter. Criteria: LabCorp Variant Classification Summary - May 2015. Collection method: clinical testing. Allele origin: germline.
Comment: Variant summary: CFTR c.842T>C (p.Met281Thr) results in a non-conservative amino acid change located in the ABC transporter type 1, transmembrane domain (IPR011527) of the encoded protein sequence. Algorithms developed to predict the effect of missense changes on protein structure and function all suggest that this variant is likely to be disruptive. The variant allele was found at a frequency of 8e-06 in 249438 control chromosomes. The available data on variant occurrences in the general population are insufficient to allow any conclusion about variant significance. c.842T>C has been oberved as a non-informative genotype (second allele not specified) in a pancreatically sufficient individual with intermediate sweat chloride levels who presented with chronic pancreatitis (example, Casals_2004 cited in deCid_2010). These report(s) do not provide unequivocal conclusions about association of the variant with Cystic Fibrosis. To our knowledge, no experimental evidence demonstrating an impact on protein function has been reported. The following publications have been ascertained in the context of this evaluation (PMID: 15097853, 26471113, 19812525). ClinVar contains an entry for this variant (Variation ID: 54067). Based on the evidence outlined above, the variant was classified as uncertain significance.

Ambry Genetics
Classification: Uncertain significance for Cystic fibrosis. Last evaluated: 2025-01-16. Review status: criteria provided, single submitter. Criteria: Ambry Variant Classification Scheme 2023. Collection method: clinical testing. Allele origin: germline.
Comment: The p.M281T variant (also known as c.842T>C and c.974T>C) is located in coding exon 7 of the CFTR gene. This variant results from a T to C substitution at nucleotide position 842. The methionine at codon 281 is replaced by threonine, an amino acid with similar properties. This variant was described in an individual with pancreatitis, sweat chloride levels of 62 mmol/L, pancreatic sufficiency, and normal respiratory function; another CFTR variant was not described (Casals et al. Pancreas 2004 May;28(4):374-9). This amino acid position is highly conserved in available vertebrate species. In addition, this alteration is predicted to be deleterious by in silico analysis. Based on the available evidence, the clinical significance of this variant remains unclear.

Labcorp Genetics (formerly Invitae), Labcorp
Classification: Uncertain significance for Cystic fibrosis. Last evaluated: 2024-04-08. Review status: criteria provided, single submitter. Criteria: Invitae Variant Classification Sherloc (09022015). Collection method: clinical testing. Allele origin: germline.
Comment: This sequence change replaces methionine, which is neutral and non-polar, with threonine, which is neutral and polar, at codon 281 of the CFTR protein (p.Met281Thr). This variant is present in population databases (rs397508802, gnomAD 0.004%). This missense change has been observed in individual(s) with chronic pancreatitis (PMID: 15097853). ClinVar contains an entry for this variant (Variation ID: 54067). Advanced modeling of protein sequence and biophysical properties (such as structural, functional, and spatial information, amino acid conservation, physicochemical variation, residue mobility, and thermodynamic stability) performed at Invitae indicates that this missense variant is expected to disrupt CFTR protein function with a positive predictive value of 80%. In summary, the available evidence is currently insufficient to determine the role of this variant in disease. Therefore, it has been classified as a Variant of Uncertain Significance.

Fulgent Genetics
Classification: Uncertain significance for Hereditary pancreatitis; Bronchiectasis with or without elevated sweat chloride 1; Cystic fibrosis; Congenital bilateral aplasia of vas deferens from CFTR mutation. Last evaluated: 2022-01-12. Review status: criteria provided, single submitter. Criteria: ACMG Guidelines, 2015. Collection method: clinical testing. Allele origin: unknown.

Genome-Nilou Lab
Classification: Uncertain significance for Cystic fibrosis. Last evaluated: 2021-09-05. Review status: criteria provided, single submitter. Criteria: ACMG Guidelines, 2015. Collection method: clinical testing. Allele origin: germline. Affected: no.

Natera, Inc.
Classification: Uncertain significance for CFTR-related disorders. Last evaluated: 2018-05-11. Review status: no assertion criteria provided. Collection method: clinical testing. Allele origin: germline. Not counted in ClinVar's aggregate classification.

Counsyl
Classification: Uncertain significance for Cystic fibrosis. Last evaluated: 2017-07-25. Review status: no assertion criteria provided. Collection method: clinical testing. Allele origin: unknown. Not counted in ClinVar's aggregate classification.

ClinVar Staff, National Center for Biotechnology Information (NCBI)
No classification provided. Condition: CFTR-related disorders. Review status: no classification provided. Collection method: literature only. Allele origin: germline. Affected: yes. Not counted in ClinVar's aggregate classification.

Literature cited by the submitters: PubMed 19812525 (cited by Women's Health and Genetics/Laboratory Corporation of America, LabCorp); PubMed 15097853 (cited by Women's Health and Genetics/Laboratory Corporation of America, LabCorp and Labcorp Genetics (formerly Invitae), Labcorp); PubMed 26471113 (cited by Women's Health and Genetics/Laboratory Corporation of America, LabCorp); PubMed 19810821 (cited by ClinVar Staff, National Center for Biotechnology Information (NCBI)).